The following is an entry in ClinVar:

NM_004006.3(DMD):c.8234T>C (p.Ile2745Thr)

Gene: DMD (dystrophin; minus strand). Cytogenetic location: Xp21.1.
Variant type: single nucleotide variant.
Coding change: c.8234T>C on transcript NM_004006.3 (MANE Select); coding-DNA position 8234, T replaced by C.
Protein change: p.Ile2745Thr; replaces isoleucine 2745 with threonine.
Molecular consequence: missense variant.
Genome position (GRCh38, 1-based): chrX:31,507,437, A>G on the plus strand (T>C on the coding strand, the complement: DMD is on the minus strand). VCF-style: chrX-31507437-A-G. GRCh37 (hg19) VCF-style: chrX-31525554-A-G.
Other names: c.8210T>C, p.Ile2737Thr (NM_000109.4); c.8222T>C, p.Ile2741Thr (NM_004009.3); c.7865T>C, p.Ile2622Thr (NM_004010.3); c.4211T>C, p.Ile1404Thr (NM_004011.4); c.4202T>C, p.Ile1401Thr (NM_004012.4); c.854T>C, p.Ile285Thr (NM_004013.3, NM_004020.4, NM_004021.3 and 2 more transcripts); c.47T>C, p.Ile16Thr (NM_004014.3); short protein forms I2745T, I1401T, I2737T, I2741T, I16T, I1404T, I2622T, I285T.
Identifiers: ClinVar variation 526102 (VCV000526102.11), dbSNP rs367735348, ClinGen allele CA328438215.

ClinVar aggregate classification (germline): Conflicting classifications of pathogenicity. Review status: criteria provided, conflicting classifications (1 of 4 stars). 3 submissions from 3 submitters: Uncertain significance (1); Likely benign (1). 1 of the submissions does not count toward it. Last evaluated 2025-07-28.

Conditions:
Cardiovascular phenotype. Identifiers: MedGen CN230736.
Dystrophin deficiency.
Cardiomyopathy (CMYO). Also called: Cardiomyopathies. Identifiers: Orphanet 167848, MedGen C0878544, MONDO:0004994, HP:0001638. Inheritance: Various modes of inheritance.
Becker muscular dystrophy (BMD). Also called: Becker Muscular Dystrophy (BMD); MUSCULAR DYSTROPHY, PSEUDOHYPERTROPHIC PROGRESSIVE, BECKER TYPE. Identifiers: Orphanet 98895, MedGen C0917713, MONDO:0010311, OMIM 300376.
Duchenne muscular dystrophy (DMD). Also called: Duchenne Muscular Dystrophy (DMD); MUSCULAR DYSTROPHY, PSEUDOHYPERTROPHIC PROGRESSIVE, DUCHENNE TYPE. Identifiers: Orphanet 98896, MedGen C0013264, MONDO:0010679, OMIM 310200.

Allele frequency attached by ClinVar (database versions not stated): gnomAD 0.00003; ESP Exome Variant Server 0.00009; gnomAD exomes 0.00001 and 0.00002; TOPMed 0.00002.
gnomAD v4.1: 17 of 1,205,471 alleles (0.0014%); highest among the groups gnomAD compares: African/African-American, 0.0087%; no homozygotes.

Submissions (3):

Labcorp Genetics (formerly Invitae), Labcorp
Classification: Likely benign for Duchenne muscular dystrophy. Last evaluated: 2025-07-28. Review status: criteria provided, single submitter. Criteria: Invitae Variant Classification Sherloc (09022015). Collection method: clinical testing. Allele origin: germline.

Ambry Genetics
Classification: Uncertain significance for Cardiovascular phenotype. Last evaluated: 2025-05-27. Review status: criteria provided, single submitter. Criteria: Ambry Variant Classification Scheme 2023. Collection method: clinical testing. Allele origin: germline.
Comment: The p.I2745T variant (also known as c.8234T>C), located in coding exon 56 of the DMD gene, results from a T to C substitution at nucleotide position 8234. The isoleucine at codon 2745 is replaced by threonine, an amino acid with similar properties. Based on data from gnomAD, the C allele has an overall frequency of 0.0018% (3/171011) total alleles studied, with 2 hemizygote(s) observed. The highest observed frequency was 0.0080% (1/12509) of African alleles. This amino acid position is well conserved in available vertebrate species. In addition, the in silico prediction for this alteration is inconclusive. Since supporting evidence is limited at this time, the clinical significance of this alteration remains unclear.

Natera, Inc.
Classification: Uncertain significance for Becker muscular dystrophy; Cardiomyopathy; Duchenne muscular dystrophy; Dystrophin deficiency. Last evaluated: 2018-06-12. Review status: no assertion criteria provided. Collection method: clinical testing. Allele origin: germline. Not counted in ClinVar's aggregate classification.